The following is an entry in ClinVar:

NM_002839.4(PTPRD):c.3747C>T (p.Pro1249=)

Gene: PTPRD (protein tyrosine phosphatase receptor type D; minus strand). Cytogenetic location: 9p24.1.
Variant type: single nucleotide variant.
Coding change: c.3747C>T on transcript NM_002839.4 (MANE Select); coding-DNA position 3747, C replaced by T.
Protein change: p.Pro1249=; no amino-acid change (proline 1249 retained).
Molecular consequence: synonymous variant.
Genome position (GRCh38, 1-based): chr9:8,460,539, G>A on the plus strand (C>T on the coding strand, the complement: PTPRD is on the minus strand). VCF-style: chr9-8460539-G-A. GRCh37 (hg19) VCF-style: chr9-8460539-G-A.
Other names: c.2505C>T, p.Pro835= (NM_001040712.2); c.2484C>T, p.Pro828= (NM_001171025.2); c.2496C>T, p.Pro832= (NM_001377946.1); c.2508C>T, p.Pro836= (NM_001377947.1); c.3750C>T, p.Pro1250= (NM_001377958.1); c.3747C>T, p.Pro1249= (NM_001378058.1); c.2514C>T, p.Pro838= (NM_130391.4, NM_130392.3); c.2499C>T, p.Pro833= (NM_130393.3).
Identifiers: ClinVar variation 3044711 (VCV003044711.2), dbSNP rs200683418, ClinGen allele CA4983708.

ClinVar aggregate classification (germline): Likely benign (0 of 4 stars; one submission).

Conditions:
PTPRD-related disorder. Also called: PTPRD-related condition.

Allele frequency attached by ClinVar (database versions not stated): gnomAD 0.00007; gnomAD exomes 0.00007; TOPMed 0.00009; 1000 Genomes Project 0.00020; 1000 Genomes Project 30x 0.00031.
gnomAD v4.1: 111 of 1,613,390 alleles (0.0069%); highest among the groups gnomAD compares: East Asian, 0.15%; no homozygotes.

Submission:

PreventionGenetics, part of Exact Sciences
Classification: Likely benign for PTPRD-related condition. Last evaluated: 2019-05-30. Review status: no assertion criteria provided. Collection method: clinical testing. Allele origin: germline.
Comment: This variant is classified as likely benign based on ACMG/AMP sequence variant interpretation guidelines (Richards et al. 2015 PMID: 25741868, with internal and published modifications).